The following is an entry in ClinVar:

ClinVar aggregate classification (germline): Pathogenic. Review status: criteria provided, multiple submitters, no conflicts (2 of 4 stars). 2 submissions from 2 submitters: Pathogenic (2). Last evaluated 2025-07-31.

Conditions:
Adams-Oliver syndrome 5 (AOS5). Identifiers: Orphanet 974, MedGen C4014970, MONDO:0014459, OMIM 616028.

Submissions (2):

GeneDx
Classification: Pathogenic. Last evaluated: 2025-07-31. Review status: criteria provided, single submitter. Criteria: GeneDx Variant Classification Process June 2021. Collection method: clinical testing. Allele origin: germline. Affected: yes.
Comment: Has not been previously published as pathogenic or benign to our knowledge; Not observed at significant frequency in large population cohorts (gnomAD); Nonsense variant predicted to result in protein truncation or nonsense mediated decay in a gene for which loss of function is a known mechanism of disease; This variant is associated with the following publications: (PMID: 35947102)

Labcorp Genetics (formerly Invitae), Labcorp
Classification: Pathogenic for Adams-Oliver syndrome 5. Last evaluated: 2020-09-03. Review status: criteria provided, single submitter. Criteria: Invitae Variant Classification Sherloc (09022015). Collection method: clinical testing. Allele origin: germline.
Comment: This sequence change creates a premature translational stop signal (p.Gln1466*) in the NOTCH1 gene. It is expected to result in an absent or disrupted protein product. This variant is not present in population databases (ExAC no frequency). This variant has not been reported in the literature in individuals with NOTCH1-related conditions. Loss-of-function variants in NOTCH1 are known to be pathogenic (PMID: 16025100, 21457232, 25132448, 25963545). For these reasons, this variant has been classified as Pathogenic.

Literature cited by the submitters: PubMed 16025100 (cited by Labcorp Genetics (formerly Invitae), Labcorp); PubMed 21457232 (cited by Labcorp Genetics (formerly Invitae), Labcorp); PubMed 25132448 (cited by Labcorp Genetics (formerly Invitae), Labcorp); PubMed 25963545 (cited by Labcorp Genetics (formerly Invitae), Labcorp).

NM_017617.5(NOTCH1):c.4396C>T (p.Gln1466Ter)

Gene: NOTCH1 (notch receptor 1; minus strand). Cytogenetic location: 9q34.3.
Variant type: single nucleotide variant.
Coding change: c.4396C>T on transcript NM_017617.5 (MANE Select); coding-DNA position 4396, C replaced by T.
Protein change: p.Gln1466Ter; replaces glutamine 1466 with a stop codon.
Molecular consequence: nonsense.
Genome position (GRCh38, 1-based): chr9:136,505,500, G>A on the plus strand (C>T on the coding strand, the complement: NOTCH1 is on the minus strand). VCF-style: chr9-136505500-G-A. GRCh37 (hg19) VCF-style: chr9-139399952-G-A.
Other names: c.4396C>T (NM_017617.3); short protein forms Q1466*.
Identifiers: ClinVar variation 1074216 (VCV001074216.8), dbSNP rs2133339381, ClinGen allele CA375647846.
Genomic context (GRCh38, chr9:136,505,500, plus strand): 5'-GGTCATTGAAGTTGAGGGAGCAGTCACCGCCGTCCCAGCCGCACGCGTGGTTGTTGCACT[G>A]CAGGCTGCAGACCTTGTTGCCCGCGTCCTCCTGGCACTCGGGCAGCTCGCACGCCTCCTC-3'